The following is an entry in ClinVar:

ClinVar aggregate classification (germline): Likely benign (0 of 4 stars; one submission).

Conditions:
COG6-related disorder.

Allele frequency attached by ClinVar (database versions not stated): gnomAD exomes below 0.00001; TOPMed 0.00001; ExAC 0.00002.
gnomAD v4.1: 7 of 1,583,336 alleles (0.00044%); highest among the groups gnomAD compares: Non-Finnish European, 0.00052%; no homozygotes.

Submission:

PreventionGenetics, part of Exact Sciences
Classification: Likely benign for COG6-related condition. Last evaluated: 2023-09-08. Review status: no assertion criteria provided. Collection method: clinical testing. Allele origin: germline.
Comment: This variant is classified as likely benign based on ACMG/AMP sequence variant interpretation guidelines (Richards et al. 2015 PMID: 25741868, with internal and published modifications).

NM_020751.3(COG6):c.366A>G (p.Leu122=)

Gene: COG6 (component of oligomeric golgi complex 6; plus strand). Cytogenetic location: 13q14.11.
Variant type: single nucleotide variant.
Coding change: c.366A>G on transcript NM_020751.3 (MANE Select); coding-DNA position 366, A replaced by G.
Protein change: p.Leu122=; no amino-acid change (leucine 122 retained).
Molecular consequence: synonymous variant. On other transcripts: non-coding transcript variant (1).
Genome position (GRCh38, 1-based): chr13:39,660,878, A>G. VCF-style: chr13-39660878-A-G. GRCh37 (hg19) VCF-style: chr13-40235015-A-G.
Other names: c.366A>G, p.Leu122= (NM_001145079.2).
Identifiers: ClinVar variation 3044294 (VCV003044294.2), dbSNP rs768761061, ClinGen allele CA6958287.